The following is an entry in ClinVar:

ClinVar aggregate classification (germline): Uncertain significance (1 of 4 stars; one submission).

Conditions:
Nemaline myopathy 2 (NEM2). Also called: Nemaline myopathy 2, autosomal recessive. Identifiers: MedGen C1850569, MONDO:0009725, OMIM 256030.

gnomAD v4.1: 2 of 1,570,972 alleles (0.00013%); highest among the groups gnomAD compares: Admixed American, 0.0018%; no homozygotes.

Submission:

Labcorp Genetics (formerly Invitae), Labcorp
Classification: Uncertain significance for Nemaline myopathy 2. Last evaluated: 2021-08-27. Review status: criteria provided, single submitter. Criteria: Invitae Variant Classification Sherloc (09022015). Collection method: clinical testing. Allele origin: germline.
Comment: This sequence change replaces methionine with threonine at codon 3716 of the NEB protein (p.Met3716Thr). The methionine residue is moderately conserved and there is a moderate physicochemical difference between methionine and threonine. This variant is not present in population databases (ExAC no frequency). This variant has not been reported in the literature in individuals affected with NEB-related conditions. Algorithms developed to predict the effect of missense changes on protein structure and function are either unavailable or do not agree on the potential impact of this missense change (SIFT: "Deleterious"; PolyPhen-2: "Not Available"; Align-GVGD: "Class C0"). In summary, the available evidence is currently insufficient to determine the role of this variant in disease. Therefore, it has been classified as a Variant of Uncertain Significance.

NM_001164508.2(NEB):c.11147T>C (p.Met3716Thr)

Gene: NEB (nebulin; minus strand). Cytogenetic location: 2q23.3.
Variant type: single nucleotide variant.
Coding change: c.11147T>C on transcript NM_001164508.2 (MANE Select); coding-DNA position 11147, T replaced by C.
Protein change: p.Met3716Thr; replaces methionine 3716 with threonine.
Molecular consequence: missense variant.
Genome position (GRCh38, 1-based): chr2:151,617,398, A>G on the plus strand (T>C on the coding strand, the complement: NEB is on the minus strand). VCF-style: chr2-151617398-A-G. GRCh37 (hg19) VCF-style: chr2-152473912-A-G.
Other names: c.11147T>C, p.Met3716Thr (NM_001164507.2, NM_001271208.2); c.10418T>C, p.Met3473Thr (NM_004543.5); short protein forms M3716T, M3473T.
Identifiers: ClinVar variation 1437298 (VCV001437298.5), dbSNP rs2098235987, ClinGen allele CA348784940.